The following is an entry in ClinVar:

NM_001308.3(CPN1):c.1299C>T (p.His433=)

Gene: CPN1 (carboxypeptidase N subunit 1; minus strand). Cytogenetic location: 10q24.2.
Variant type: single nucleotide variant.
Coding change: c.1299C>T on transcript NM_001308.3 (MANE Select); coding-DNA position 1299, C replaced by T.
Protein change: p.His433=; no amino-acid change (histidine 433 retained).
Molecular consequence: synonymous variant.
Genome position (GRCh38, 1-based): chr10:100,042,505, G>A on the plus strand (C>T on the coding strand, the complement: CPN1 is on the minus strand). VCF-style: chr10-100042505-G-A. GRCh37 (hg19) VCF-style: chr10-101802262-G-A.
Identifiers: ClinVar variation 3344721 (VCV003344721.1).
Genomic context (GRCh38, chr10:100,042,505, plus strand): 5'-CAGCTGCCTCATCTCCATTTCTTTCTTTCTGGCTTGGGGCTGCACTTTGGCTCTGACTCC[G>A]TGCCTTCTGCTGGGAGCTCTCCTCACAGGGCTTACTTGAGGGATGCTTCTTTTGAGGTGG-3'
Protein context (NP_001299.1, residues 423-443): SPVRRAPSRR[His433=]GVRAKVQPQA

ClinVar aggregate classification (germline): Benign (0 of 4 stars; one submission).

Conditions:
CPN1-related disorder. Also called: CPN1-related condition.

gnomAD v4.1: 55,864 of 1,613,770 alleles (3.5%); highest among the groups gnomAD compares: Middle Eastern, 6%; 1,071 homozygotes.

Submission:

PreventionGenetics, part of Exact Sciences
Classification: Benign for CPN1-related condition. Last evaluated: 2024-07-08. Review status: no assertion criteria provided. Collection method: clinical testing. Allele origin: germline.
Comment: This variant is classified as benign based on ACMG/AMP sequence variant interpretation guidelines (Richards et al. 2015 PMID: 25741868, with internal and published modifications).